The following is an entry in ClinVar:

ClinVar aggregate classification (germline): Uncertain significance (1 of 4 stars; one submission).

Allele frequency attached by ClinVar (database versions not stated): gnomAD exomes below 0.00001; gnomAD 0.00001; TOPMed 0.00001.
gnomAD v4.1: 6 of 1,613,982 alleles (0.00037%); highest among the groups gnomAD compares: Non-Finnish European, 0.00034%; no homozygotes.

Submission:

Labcorp Genetics (formerly Invitae), Labcorp
Classification: Uncertain significance. Last evaluated: 2022-10-05. Review status: criteria provided, single submitter. Criteria: Invitae Variant Classification Sherloc (09022015). Collection method: clinical testing. Allele origin: germline.
Comment: This sequence change replaces lysine, which is basic and polar, with glutamic acid, which is acidic and polar, at codon 747 of the ERCC6 protein (p.Lys747Glu). This variant is not present in population databases (gnomAD no frequency). This variant has not been reported in the literature in individuals affected with ERCC6-related conditions. ClinVar contains an entry for this variant (Variation ID: 1396973). Algorithms developed to predict the effect of missense changes on protein structure and function (SIFT, PolyPhen-2, Align-GVGD) all suggest that this variant is likely to be disruptive. In summary, the available evidence is currently insufficient to determine the role of this variant in disease. Therefore, it has been classified as a Variant of Uncertain Significance.

NM_000124.4(ERCC6):c.2239A>G (p.Lys747Glu)

Gene: ERCC6 (ERCC excision repair 6, chromatin remodeling factor; minus strand). Cytogenetic location: 10q11.23.
Variant type: single nucleotide variant.
Coding change: c.2239A>G on transcript NM_000124.4 (MANE Select); coding-DNA position 2239, A replaced by G.
Protein change: p.Lys747Glu; replaces lysine 747 with glutamic acid.
Molecular consequence: missense variant.
Genome position (GRCh38, 1-based): chr10:49,478,401, T>C on the plus strand (A>G on the coding strand, the complement: ERCC6 is on the minus strand). VCF-style: chr10-49478401-T-C. GRCh37 (hg19) VCF-style: chr10-50686447-T-C.
Other names: c.2239A>G, p.Lys747Glu (NM_001346440.2); short protein forms K747E.
Identifiers: ClinVar variation 1396973 (VCV001396973.3), dbSNP rs1413002384, ClinGen allele CA376723591.